The following is an entry in ClinVar:

NM_001145358.2(SIN3A):c.477C>T (p.Ile159=)

Gene: SIN3A (SIN3 transcription regulator family member A; minus strand). Cytogenetic location: 15q24.2.
Variant type: single nucleotide variant.
Coding change: c.477C>T on transcript NM_001145358.2 (MANE Select); coding-DNA position 477, C replaced by T.
Protein change: p.Ile159=; no amino-acid change (isoleucine 159 retained).
Molecular consequence: synonymous variant.
Genome position (GRCh38, 1-based): chr15:75,413,042, G>A on the plus strand (C>T on the coding strand, the complement: SIN3A is on the minus strand). VCF-style: chr15-75413042-G-A. GRCh37 (hg19) VCF-style: chr15-75705383-G-A.
Other names: c.477C>T, p.Ile159= (NM_001145357.2, NM_015477.3).
Identifiers: ClinVar variation 2645564 (VCV002645564.27), dbSNP rs1309672973, ClinGen allele CA491494959.
Genomic context (GRCh38, chr15:75,413,042, plus strand): 5'-TATCAGATCGGGGTGGCCTTTGAATAGCTGGGACACACGACTAATCACTCCTGGGGTGTC[G>A]ATGCTGATAAAAAACAAAAAGAAAAGTGATAAACTGTAAGCTTAACAAACACCCTGTTAA-3'
Protein context (NP_001138830.1, residues 149-169): DIMKEFKSQS[Ile159=]DTPGVISRVS

ClinVar aggregate classification (germline): Likely benign. Review status: criteria provided, multiple submitters, no conflicts (2 of 4 stars). 2 submissions from 2 submitters: Likely benign (2). Last evaluated 2025-09-23.

Allele frequency attached by ClinVar (database versions not stated): gnomAD exomes below 0.00001; gnomAD 0.00001; TOPMed 0.00002.
gnomAD v4.1: 5 of 1,590,784 alleles (0.00031%); highest among the groups gnomAD compares: Admixed American, 0.0019%; no homozygotes.

Submissions (2):

Labcorp Genetics (formerly Invitae), Labcorp
Classification: Likely benign. Last evaluated: 2025-09-23. Review status: criteria provided, single submitter. Criteria: Invitae Variant Classification Sherloc (09022015). Collection method: clinical testing. Allele origin: germline.

CeGaT Center for Human Genetics Tuebingen
Classification: Likely benign. Last evaluated: 2023-05-01. Review status: criteria provided, single submitter. Criteria: CeGaT Center For Human Genetics Tuebingen Variant Classification Criteria Version 2. Collection method: clinical testing. Allele origin: germline. Affected: yes. Observed: 1 variant allele.
Comment: SIN3A: BP4, BP7